The following is an entry in ClinVar:

NM_000466.3(PEX1):c.1300C>T (p.Pro434Ser)

Gene: PEX1 (peroxisomal biogenesis factor 1; minus strand). Cytogenetic location: 7q21.2.
Variant type: single nucleotide variant.
Coding change: c.1300C>T on transcript NM_000466.3 (MANE Select); coding-DNA position 1300, C replaced by T.
Protein change: p.Pro434Ser; replaces proline 434 with serine.
Molecular consequence: missense variant.
Genome position (GRCh38, 1-based): chr7:92,513,907, G>A on the plus strand (C>T on the coding strand, the complement: PEX1 is on the minus strand). VCF-style: chr7-92513907-G-A. GRCh37 (hg19) VCF-style: chr7-92143221-G-A.
Other names: c.1300C>T, p.Pro434Ser (NM_001282677.2); c.676C>T, p.Pro226Ser (NM_001282678.2); short protein forms P226S, P434S.
Identifiers: ClinVar variation 3357351 (VCV003357351.2).
Genomic context (GRCh38, chr7:92,513,907, plus strand): 5'-CTAAATTCTCTCTAGGTTGTAACTTTAGAGATCTTGGAATTTTAGGGGTAACTTCCACTG[G>A]AGTTATCCTGACTACGGCATGCATTTCTATATTTAGTCTCTTCCTCAGGTCATCTGGAAT-3'
Protein context (NP_000457.1, residues 424-444): IEMHAVVRIT[Pro434Ser]VEVTPKIPRS

ClinVar aggregate classification (germline): Uncertain significance. Review status: criteria provided, single submitter (1 of 4 stars). 2 submissions from 2 submitters: Uncertain significance (1). 1 of the submissions does not count toward it. Last evaluated 2025-07-15.

Conditions:
PEX1-related disorder. Also called: PEX1-related condition.

gnomAD v4.1: 14 of 1,586,134 alleles (0.00088%); highest among the groups gnomAD compares: South Asian, 0.0055%; no homozygotes.

Submissions (2):

Women's Health and Genetics/Laboratory Corporation of America, LabCorp
Classification: Uncertain significance. Last evaluated: 2025-07-15. Review status: criteria provided, single submitter. Criteria: LabCorp Variant Classification Summary - May 2015. Collection method: clinical testing. Allele origin: germline.
Comment: Variant summary: PEX1 c.1300C>T (p.Pro434Ser) results in a non-conservative amino acid change in the encoded protein sequence. Algorithms developed to predict the effect of missense changes on protein structure and function are either unavailable or do not agree on the potential impact of this missense change. The variant allele was found at a frequency of 2.8e-05 in 250858 control chromosomes. The available data on variant occurrences in the general population are insufficient to allow any conclusion about variant significance. To our knowledge, no occurrence of c.1300C>T in individuals affected with Zellweger Syndrome and no experimental evidence demonstrating its impact on protein function have been reported. ClinVar contains an entry for this variant (Variation ID: 3357351). Based on the evidence outlined above, the variant was classified as uncertain significance.

PreventionGenetics, part of Exact Sciences
Classification: Uncertain significance for PEX1-related condition. Last evaluated: 2024-08-23. Review status: no assertion criteria provided. Collection method: clinical testing. Allele origin: germline. Not counted in ClinVar's aggregate classification.
Comment: The PEX1 c.1300C>T variant is predicted to result in the amino acid substitution p.Pro434Ser. To our knowledge, this variant has not been reported in the literature. This variant is reported in 0.016% of alleles in individuals of South Asian descent in gnomAD. At this time, the clinical significance of this variant is uncertain due to the absence of conclusive functional and genetic evidence.